The following is an entry in ClinVar:

ClinVar aggregate classification (germline): Likely benign. Review status: criteria provided, multiple submitters, no conflicts (2 of 4 stars). 2 submissions from 2 submitters: Likely benign (2). Last evaluated 2025-11-03.

Conditions:
Early-infantile DEE. Also called: Ohtahara syndrome; Early infantile epileptic encephalopathy with suppression bursts; Early infantile epileptic encephalopathy. Identifiers: Orphanet 1934, MedGen C0393706, MONDO:0800491.
HCN1-related disorder. Also called: HCN1-related disorders; HCN1-related condition.

Allele frequency attached by ClinVar (database versions not stated): gnomAD exomes 0.00005; ExAC 0.00006; 1000 Genomes Project 0.00020; gnomAD 0.00026 and 0.00029; TOPMed 0.00029; ESP Exome Variant Server 0.00046; 1000 Genomes Project 30x 0.00047.
gnomAD v4.1: 69 of 1,611,060 alleles (0.0043%); highest among the groups gnomAD compares: African/African-American, 0.088%; no homozygotes.

Submissions (2):

Labcorp Genetics (formerly Invitae), Labcorp
Classification: Likely benign for Early-infantile DEE. Last evaluated: 2025-11-03. Review status: criteria provided, single submitter. Criteria: Invitae Variant Classification Sherloc (09022015). Collection method: clinical testing. Allele origin: germline.

PreventionGenetics, part of Exact Sciences
Classification: Likely benign for HCN1-related condition. Last evaluated: 2025-02-09. Review status: criteria provided, single submitter. Criteria: ACMG Guidelines, 2015. Collection method: clinical testing. Allele origin: germline.
Comment: This variant is classified as likely benign based on ACMG/AMP sequence variant interpretation guidelines (Richards et al. 2015 PMID: 25741868, with internal and published modifications).

NM_021072.4(HCN1):c.2170G>A (p.Ala724Thr)

Gene: HCN1 (hyperpolarization activated cyclic nucleotide gated potassium channel 1; minus strand). Cytogenetic location: 5p12.
Variant type: single nucleotide variant.
Coding change: c.2170G>A on transcript NM_021072.4 (MANE Select); coding-DNA position 2170, G replaced by A.
Protein change: p.Ala724Thr; replaces alanine 724 with threonine.
Molecular consequence: missense variant.
Genome position (GRCh38, 1-based): chr5:45,262,424, C>T on the plus strand (G>A on the coding strand, the complement: HCN1 is on the minus strand). VCF-style: chr5-45262424-C-T. GRCh37 (hg19) VCF-style: chr5-45262526-C-T.
Other names: short protein forms A724T.
Identifiers: ClinVar variation 699883 (VCV000699883.12), dbSNP rs141383188, ClinGen allele CA3259153.